The following is an entry in ClinVar:

ClinVar aggregate classification (germline): Uncertain significance. Review status: criteria provided, multiple submitters, no conflicts (2 of 4 stars). 2 submissions from 2 submitters: Uncertain significance (2). Last evaluated 2022-07-26.

Conditions:
Inborn genetic diseases. Identifiers: MedGen C0950123, MeSH D030342.

Allele frequency attached by ClinVar (database versions not stated): ExAC 0.00002; gnomAD exomes 0.00001.
gnomAD v4.1: 3 of 1,614,116 alleles (0.00019%); highest among the groups gnomAD compares: Admixed American, 0.0033%; no homozygotes.

Submissions (2):

Ambry Genetics
Classification: Uncertain significance for Inborn genetic diseases. Last evaluated: 2022-07-26. Review status: criteria provided, single submitter. Criteria: Ambry Variant Classification Scheme 2023. Collection method: clinical testing. Allele origin: germline.

Labcorp Genetics (formerly Invitae), Labcorp
Classification: Uncertain significance. Last evaluated: 2021-08-26. Review status: criteria provided, single submitter. Criteria: Invitae Variant Classification Sherloc (09022015). Collection method: clinical testing. Allele origin: germline.
Comment: This sequence change replaces serine with asparagine at codon 114 of the PHYH protein (p.Ser114Asn). The serine residue is moderately conserved and there is a small physicochemical difference between serine and asparagine. This variant is present in population databases (rs781504804, ExAC 0.009%). This variant has not been reported in the literature in individuals affected with PHYH-related conditions. Algorithms developed to predict the effect of missense changes on protein structure and function output the following: SIFT: "Tolerated"; PolyPhen-2: "Benign"; Align-GVGD: "Class C0". The asparagine amino acid residue is found in multiple mammalian species, which suggests that this missense change does not adversely affect protein function. In summary, the available evidence is currently insufficient to determine the role of this variant in disease. Therefore, it has been classified as a Variant of Uncertain Significance.

NM_006214.4(PHYH):c.341G>A (p.Ser114Asn)

Gene: PHYH (phytanoyl-CoA 2-hydroxylase; minus strand). Cytogenetic location: 10p13.
Variant type: single nucleotide variant.
Coding change: c.341G>A on transcript NM_006214.4 (MANE Select); coding-DNA position 341, G replaced by A.
Protein change: p.Ser114Asn; replaces serine 114 with asparagine.
Molecular consequence: missense variant.
Genome position (GRCh38, 1-based): chr10:13,294,501, C>T on the plus strand (G>A on the coding strand, the complement: PHYH is on the minus strand). VCF-style: chr10-13294501-C-T. GRCh37 (hg19) VCF-style: chr10-13336501-C-T.
Other names: c.41G>A, p.Ser14Asn (NM_001037537.2, NM_001323080.2, NM_001323084.2); c.341G>A, p.Ser114Asn (NM_001323082.2, NM_001323083.2); c.341G>A (NM_006214.3); short protein forms S14N, S114N.
Identifiers: ClinVar variation 1517771 (VCV001517771.6), dbSNP rs781504804, ClinGen allele CA5412409.
Genomic context (GRCh38, chr10:13,294,501, plus strand): 5'-CAGTATCTGAAGAGCTCCTTATCTTCCTGGAAATCCTGGACCTTCGTGATCATCTTCTCA[C>T]TTGGAGCATATTCGGATTTCGAAATGGTCACATCTCTCATTACTGTTAATCCTAATGGTT-3'
Protein context (NP_006205.1, residues 104-124): VTISKSEYAP[Ser114Asn]EKMITKVQDF